The following is an entry in ClinVar:

ClinVar aggregate classification (germline): Pathogenic (1 of 4 stars; one submission).

Conditions:
Severe myoclonic epilepsy in infancy (DRVT). Also called: SEVERE MYOCLONIC EPILEPSY OF INFANCY; Epileptic encephalopathy, early infantile, 6 (Dravet syndrome); DEVELOPMENTAL AND EPILEPTIC ENCEPHALOPATHY 6A; Severe Myoclonic Epilepsy in Infancy (SMEI); Dravet syndrome. Identifiers: Orphanet 33069, MedGen C0751122, MONDO:0100135, OMIM 607208.

Submission:

Labcorp Genetics (formerly Invitae), Labcorp
Classification: Pathogenic for Severe myoclonic epilepsy in infancy. Last evaluated: 2021-12-02. Review status: criteria provided, single submitter. Criteria: Invitae Variant Classification Sherloc (09022015). Collection method: clinical testing. Allele origin: germline.
Comment: For these reasons, this variant has been classified as Pathogenic. This variant has not been reported in the literature in individuals affected with SNX27-related conditions. This variant is not present in population databases (gnomAD no frequency). This sequence change creates a premature translational stop signal (p.Glu407Thrfs*13) in the SNX27 gene. It is expected to result in an absent or disrupted protein product. Loss-of-function variants in SNX27 are known to be pathogenic (PMID: 25894286).

Literature cited by the submitters: PubMed 25894286.

NM_001330723.2(SNX27):c.1216_1217dup (p.Glu407fs)

Gene: SNX27 (sorting nexin 27; plus strand). Cytogenetic location: 1q21.3.
Variant type: Microsatellite.
Coding change: c.1216_1217dup on transcript NM_001330723.2 (MANE Select); coding-DNA positions 1216 to 1217, 2 bases duplicated (TA; older notation c.1216_1217dupTA).
Protein change: p.Glu407fs; shifts the reading frame from glutamic acid 407.
Molecular consequence: frameshift variant.
Genome position (GRCh38, 1-based): chr1:151,683,422-151,683,423, TA duplicated; duplicating any 2 consecutive bases within chr1:151,683,420-151,683,423 gives the same sequence; the c. name uses the placement nearest the transcript's 3' end. VCF-style (leftmost placement, unchanged base first): chr1-151683419-C-CTA. GRCh37 (hg19) VCF-style: chr1-151655895-C-CTA.
Other names: c.1216_1217dup, p.Glu407fs (NM_030918.6); short protein forms E407fs.
Identifiers: ClinVar variation 1452778 (VCV001452778.6), dbSNP rs2102724265, ClinGen allele CA2580611194.
Genomic context (GRCh38, chr1:151,683,419, plus strand): 5'-GTCGATGATGTGAAGAAAGGTTACATCAAAGCAGAAGAAAAGTCCTATCAATTACAGAAG[C>CTA]TATACGAACAAAGAAAAATGGTCATGGTAAGTTTATGTCCCCATAATCCCTTTAAAAATG-3'